The following is an entry in ClinVar:

NM_021098.3(CACNA1H):c.1120-3C>A

Gene: CACNA1H (calcium voltage-gated channel subunit alpha1 H; plus strand). Cytogenetic location: 16p13.3.
Variant type: single nucleotide variant.
Coding change: c.1120-3C>A on transcript NM_021098.3 (MANE Select); 3 bases into the intron before coding-DNA position 1120, C replaced by A.
Molecular consequence: intron variant.
Genome position (GRCh38, 1-based): chr16:1,200,713, C>A. VCF-style: chr16-1200713-C-A. GRCh37 (hg19) VCF-style: chr16-1250713-C-A.
Other names: c.1120-3C>A (NM_001005407.2).
Identifiers: ClinVar variation 2926237 (VCV002926237.3), dbSNP rs559931034, ClinGen allele CA620691241.

ClinVar aggregate classification (germline): Uncertain significance (1 of 4 stars; one submission).

Conditions:
Idiopathic generalized epilepsy. Also called: Generalised epilepsy; EIG. Identifiers: MedGen C0270850, MONDO:0005579, OMIM 600669.
Hyperaldosteronism, familial, type IV (HALD4). Also called: FH IV; ALDOSTERONISM, PRIMARY, AND HYPERTENSION. Identifiers: Orphanet 642671, MedGen C4310756, MONDO:0014875, OMIM 617027.

gnomAD v4.1: 7 of 1,564,568 alleles (0.00045%); highest among the groups gnomAD compares: East Asian, 0.0024%; no homozygotes.

Submission:

Labcorp Genetics (formerly Invitae), Labcorp
Classification: Uncertain significance for Idiopathic generalized epilepsy; Hyperaldosteronism, familial, type IV. Last evaluated: 2023-08-30. Review status: criteria provided, single submitter. Criteria: Invitae Variant Classification Sherloc (09022015). Collection method: clinical testing. Allele origin: germline.
Comment: In summary, the available evidence is currently insufficient to determine the role of this variant in disease. Therefore, it has been classified as a Variant of Uncertain Significance. Variants that disrupt the consensus splice site are a relatively common cause of aberrant splicing (PMID: 17576681, 9536098). Algorithms developed to predict the effect of sequence changes on RNA splicing suggest that this variant is not likely to affect RNA splicing. This variant has not been reported in the literature in individuals affected with CACNA1H-related conditions. The frequency data for this variant in the population databases is considered unreliable, as metrics indicate poor data quality at this position in the gnomAD database. This sequence change falls in intron 7 of the CACNA1H gene. It does not directly change the encoded amino acid sequence of the CACNA1H protein. It affects a nucleotide within the consensus splice site.

Literature cited by the submitters: PubMed 17576681; PubMed 9536098.